The following is an entry in ClinVar:

ClinVar aggregate classification (germline): Uncertain significance (1 of 4 stars; one submission).

Conditions:
Hereditary cancer-predisposing syndrome. Also called: Neoplastic Syndromes, Hereditary; Tumor predisposition; Hereditary neoplastic syndrome; Hereditary Cancer Syndrome. Identifiers: Orphanet 140162, MedGen C0027672, MeSH D009386, MONDO:0015356.

Submission:

Ambry Genetics
Classification: Uncertain significance for Hereditary cancer-predisposing syndrome. Last evaluated: 2026-07-01. Review status: criteria provided, single submitter. Criteria: Ambry Variant Classification Scheme 2023. Collection method: clinical testing. Allele origin: germline.
Comment: The p.A766V variant (also known as c.2297C>T), located in coding exon 15 of the PDGFRA gene, results from a C to T substitution at nucleotide position 2297. The alanine at codon 766 is replaced by valine, an amino acid with similar properties. This amino acid position is conserved. In addition, the in silico prediction for this alteration is inconclusive. Based on the available evidence, the clinical significance of this variant remains unclear.

NM_006206.6(PDGFRA):c.2297C>T (p.Ala766Val)

Gene: PDGFRA (platelet derived growth factor receptor alpha; plus strand). Cytogenetic location: 4q12.
Variant type: single nucleotide variant.
Coding change: c.2297C>T on transcript NM_006206.6 (MANE Select); coding-DNA position 2297, C replaced by T.
Protein change: p.Ala766Val; replaces alanine 766 with valine.
Molecular consequence: missense variant.
Genome position (GRCh38, 1-based): chr4:54,280,456, C>T. VCF-style: chr4-54280456-C-T. GRCh37 (hg19) VCF-style: chr4-55146623-C-T.
Other names: c.2297C>T, p.Ala766Val (NM_001347827.2, NM_001347829.2); c.2372C>T, p.Ala791Val (NM_001347828.2); c.2336C>T, p.Ala779Val (NM_001347830.2); short protein forms A779V, A791V, A766V.
Identifiers: ClinVar variation 5026406 (VCV005026406.1).